The following is an entry in ClinVar:

ClinVar aggregate classification (germline): Likely benign (1 of 4 stars; one submission).

Allele frequency attached by ClinVar (database versions not stated): gnomAD 0.01358 and 0.01446; 1000 Genomes Project 0.01398; TOPMed 0.01492; 1000 Genomes Project 30x 0.01562.
gnomAD v4.1: 2,047 of 152,236 alleles (1.3%); highest among the groups gnomAD compares: African/African-American, 4.6%; 52 homozygotes.

Submission:

GeneDx
Classification: Likely benign. Last evaluated: 2018-06-17. Review status: criteria provided, single submitter. Criteria: GeneDx Variant Classification (06012015). Collection method: clinical testing. Allele origin: germline. Affected: yes.
Comment: This variant is considered likely benign or benign based on one or more of the following criteria: it is a conservative change, it occurs at a poorly conserved position in the protein, it is predicted to be benign by multiple in silico algorithms, and/or has population frequency not consistent with disease.

NM_001042492.3(NF1):c.5268+157A>T

Gene: NF1 (neurofibromin 1; plus strand). Cytogenetic location: 17q11.2.
Variant type: single nucleotide variant.
Coding change: c.5268+157A>T on transcript NM_001042492.3 (MANE Select); 157 bases into the intron after coding-DNA position 5268, A replaced by T.
Molecular consequence: intron variant.
Genome position (GRCh38, 1-based): chr17:31,326,409, A>T. VCF-style: chr17-31326409-A-T. GRCh37 (hg19) VCF-style: chr17-29653427-A-T.
Other names: c.5205+157A>T (NM_000267.4).
Identifiers: ClinVar variation 561545 (VCV000561545.1), dbSNP rs17882251, ClinGen allele CA289377759.
Genomic context (GRCh38, chr17:31,326,409, plus strand): 5'-GTATAAAATGTCACGTAAGGCTGTCGCGGTGGCTCACGCCTGTAATCCAAGCACTTTGGG[A>T]TGTCAAGGTGGGCAGATCACGTGAGGTCAGGAGTTCAAGACCAGCCTGGCCAACACGGTG-3'